The following is an entry in ClinVar:

ClinVar aggregate classification (germline): Likely benign (0 of 4 stars; one submission).

Conditions:
SEMA3D-related disorder. Also called: SEMA3D-related condition.

Submission:

PreventionGenetics, part of Exact Sciences
Classification: Likely benign for SEMA3D-related condition. Last evaluated: 2024-07-16. Review status: no assertion criteria provided. Collection method: clinical testing. Allele origin: germline.
Comment: This variant is classified as likely benign based on ACMG/AMP sequence variant interpretation guidelines (Richards et al. 2015 PMID: 25741868, with internal and published modifications).

NM_001384900.1(SEMA3D):c.1415-18_1415-8dup

Gene: SEMA3D (semaphorin 3D; minus strand). Cytogenetic location: 7q21.11.
Variant type: Duplication.
Coding change: c.1415-18_1415-8dup on transcript NM_001384900.1 (MANE Select); 18 bases into the intron before coding-DNA position 1415 through 8 bases into the intron before coding-DNA position 1415, 11 bases duplicated (GGTTATGCATT).
Molecular consequence: intron variant.
Genome position (GRCh38, 1-based): chr7:85,020,329-85,020,339, AATGCATAACC duplicated on the plus strand (GGTTATGCATT on the coding strand, the reverse complement: SEMA3D is on the minus strand). VCF-style (leftmost placement, unchanged base first): chr7-85020328-A-AAATGCATAACC. GRCh37 (hg19) VCF-style: chr7-84649644-A-AAATGCATAACC.
Other names: c.1415-18_1415-8dup (NM_001384901.1, NM_001384903.1, NM_001384902.1 and 1 more transcripts).
Identifiers: ClinVar variation 3344585 (VCV003344585.1).